The following is an entry in ClinVar:

NM_013372.7(GREM1):c.37C>T (p.Leu13Phe)

Gene: GREM1 (gremlin 1, DAN family BMP antagonist; plus strand). Cytogenetic location: 15q13.3.
Variant type: single nucleotide variant.
Coding change: c.37C>T on transcript NM_013372.7 (MANE Select); coding-DNA position 37, C replaced by T.
Protein change: p.Leu13Phe; replaces leucine 13 with phenylalanine.
Molecular consequence: missense variant. On other transcripts: intron variant (1).
Genome position (GRCh38, 1-based): chr15:32,730,727, C>T. VCF-style: chr15-32730727-C-T. GRCh37 (hg19) VCF-style: chr15-33022928-C-T.
Other names: c.37C>T, p.Leu13Phe (NM_001191323.2, NM_001368719.1); c.27+10C>T (NM_001191322.2); short protein forms L13F.
Identifiers: ClinVar variation 4266780 (VCV004266780.1).
Genomic context (GRCh38, chr15:32,730,727, plus strand): 5'-CTCTCTGTGCTTCCTTTCTTTAGTATGAGCCGCACAGCCTACACGGTGGGAGCCCTGCTT[C>T]TCCTCTTGGGGACCCTGCTGCCGGCTGCTGAAGGGAAAAAGAAAGGGTCCCAAGGTGCCA-3'
Protein context (NP_037504.1, residues 3-23): RTAYTVGALL[Leu13Phe]LLGTLLPAAE

ClinVar aggregate classification (germline): Uncertain significance (1 of 4 stars; one submission).

Conditions:
Hereditary cancer-predisposing syndrome. Also called: Hereditary Cancer Syndrome; Hereditary neoplastic syndrome; Neoplastic Syndromes, Hereditary; Tumor predisposition. Identifiers: Orphanet 140162, MedGen C0027672, MeSH D009386, MONDO:0015356.

gnomAD v4.1: 1 of 1,585,680 alleles (0.000063%); highest among the groups gnomAD compares: Non-Finnish European, 0.000086%; no homozygotes.

Submission:

Ambry Genetics
Classification: Uncertain significance for Hereditary cancer-predisposing syndrome. Last evaluated: 2025-08-10. Review status: criteria provided, single submitter. Criteria: Ambry Variant Classification Scheme 2023. Collection method: clinical testing. Allele origin: germline.
Comment: The p.L13F variant (also known as c.37C>T), located in coding exon 1 of the GREM1 gene, results from a C to T substitution at nucleotide position 37. The leucine at codon 13 is replaced by phenylalanine, an amino acid with highly similar properties. This amino acid position is conserved. In addition, this alteration is predicted to be tolerated by in silico analysis. Based on the available evidence, the clinical significance of this variant remains unclear.